The following is an entry in ClinVar:

ClinVar aggregate classification (germline): Conflicting classifications of pathogenicity. Review status: criteria provided, conflicting classifications (1 of 4 stars). 2 submissions from 2 submitters: Uncertain significance (1); Likely benign (1). Last evaluated 2026-06-01.

Allele frequency attached by ClinVar (database versions not stated): gnomAD exomes below 0.00001; gnomAD 0.00009; TOPMed 0.00010.
gnomAD v4.1: 20 of 1,613,926 alleles (0.0012%); highest among the groups gnomAD compares: African/African-American, 0.025%; no homozygotes.

Submissions (2):

CeGaT Center for Human Genetics Tuebingen
Classification: Likely benign. Last evaluated: 2026-06-01. Review status: criteria provided, single submitter. Criteria: CeGaT Center For Human Genetics Tuebingen Variant Classification Criteria Version 2. Collection method: clinical testing. Allele origin: germline. Affected: yes. Observed: 1 variant allele.
Comment: EFTUD2: BP4

Labcorp Genetics (formerly Invitae), Labcorp
Classification: Uncertain significance. Last evaluated: 2025-10-01. Review status: criteria provided, single submitter. Criteria: Invitae Variant Classification Sherloc (09022015). Collection method: clinical testing. Allele origin: germline.
Comment: This sequence change falls in intron 4 of the EFTUD2 gene. It does not directly change the encoded amino acid sequence of the EFTUD2 protein. It affects a nucleotide within the consensus splice site. This variant is present in population databases (rs377381121, gnomAD 0.02%). This variant has not been reported in the literature in individuals affected with EFTUD2-related conditions. ClinVar contains an entry for this variant (Variation ID: 2414946). Variants that disrupt the consensus splice site are a relatively common cause of aberrant splicing (PMID: 17576681, 9536098). Algorithms developed to predict the effect of sequence changes on RNA splicing suggest that this variant may disrupt the consensus splice site. In summary, the available evidence is currently insufficient to determine the role of this variant in disease. Therefore, it has been classified as a Variant of Uncertain Significance.

Literature cited by the submitters: PubMed 17576681 (cited by Labcorp Genetics (formerly Invitae), Labcorp); PubMed 9536098 (cited by Labcorp Genetics (formerly Invitae), Labcorp).

NM_004247.4(EFTUD2):c.351-3C>G

Gene: EFTUD2 (elongation factor Tu GTP binding domain containing 2; minus strand). Cytogenetic location: 17q21.31.
Variant type: single nucleotide variant.
Coding change: c.351-3C>G on transcript NM_004247.4 (MANE Select); 3 bases into the intron before coding-DNA position 351, C replaced by G.
Molecular consequence: intron variant.
Genome position (GRCh38, 1-based): chr17:44,883,727, G>C on the plus strand (C>G on the coding strand, the complement: EFTUD2 is on the minus strand). VCF-style: chr17-44883727-G-C. GRCh37 (hg19) VCF-style: chr17-42961095-G-C.
Other names: c.246-3C>G (NM_001142605.2); c.351-3C>G (NM_001258354.2, NM_001258353.2).
Identifiers: ClinVar variation 2414946 (VCV002414946.8), dbSNP rs377381121, ClinGen allele CA8608116.